The following is an entry in ClinVar:

ClinVar aggregate classification (germline): Conflicting classifications of pathogenicity. Review status: criteria provided, conflicting classifications (1 of 4 stars). 10 submissions from 10 submitters: Uncertain significance (2); Benign (1); Likely benign (5). 2 of the submissions do not count toward it. Last evaluated 2026-07-01.

Conditions:
Deficiency of ferroxidase (ACEP). Also called: Aceruloplasminemia; Ceruloplasmin deficiency; Familial apoceruloplasmin deficiency; Hereditary ceruloplasmin deficiency; Deficiency of ceruloplasmin; NEURODEGENERATION WITH BRAIN IRON ACCUMULATION 10. Identifiers: Orphanet 48818, MedGen C0878682, MONDO:0011426, OMIM 604290, HP:0025498.

Allele frequency attached by ClinVar (database versions not stated): gnomAD 0.00186 and 0.00189; TOPMed 0.00197; ESP Exome Variant Server 0.00269; gnomAD exomes 0.00300 and 0.00162; 1000 Genomes Project 30x 0.00016; 1000 Genomes Project 0.00020; ExAC 0.00144.
gnomAD v4.1: 4,625 of 1,603,502 alleles (0.29%); highest among the groups gnomAD compares: Non-Finnish European, 0.36%; 11 homozygotes.

Submissions (10):

CeGaT Center for Human Genetics Tuebingen
Classification: Likely benign. Last evaluated: 2026-07-01. Review status: criteria provided, single submitter. Criteria: CeGaT Center For Human Genetics Tuebingen Variant Classification Criteria Version 2. Collection method: clinical testing. Allele origin: germline. Affected: yes. Observed: 12 variant alleles.
Comment: CP: BP4, BP7

Labcorp Genetics (formerly Invitae), Labcorp
Classification: Likely benign for Deficiency of ferroxidase. Last evaluated: 2026-02-04. Review status: criteria provided, single submitter. Criteria: Invitae Variant Classification Sherloc (09022015). Collection method: clinical testing. Allele origin: germline.

Mayo Clinic Laboratories, Mayo Clinic
Classification: Benign. Last evaluated: 2024-12-26. Review status: criteria provided, single submitter. Criteria: ACMG Guidelines, 2015. Collection method: clinical testing. Allele origin: germline. Observed: 7 variant alleles.
Comment: BS1, BS2, BP4, BP7

Blueprint Genetics
Classification: Likely benign. Last evaluated: 2024-11-21. Review status: criteria provided, single submitter. Criteria: ACMG Guidelines, 2015. Collection method: clinical testing. Allele origin: germline.

GeneDx
Classification: Likely benign. Last evaluated: 2020-09-28. Review status: criteria provided, single submitter. Criteria: GeneDx Variant Classification Process June 2021. Collection method: clinical testing. Allele origin: germline. Affected: yes.

Illumina Laboratory Services, Illumina
Classification: Uncertain significance for Deficiency of ferroxidase. Last evaluated: 2018-01-13. Review status: criteria provided, single submitter. Criteria: ICSL Variant Classification Criteria 13 December 2019. Collection method: clinical testing. Allele origin: germline.

Genetic Services Laboratory, University of Chicago
Classification: Likely benign. Last evaluated: 2016-05-27. Review status: criteria provided, single submitter. Criteria: ACMG Guidelines, 2015. Collection method: clinical testing. Allele origin: germline. Affected: no.

Eurofins Ntd Llc (ga)
Classification: Uncertain significance. Last evaluated: 2016-02-18. Review status: criteria provided, single submitter. Criteria: EGL Classification Definitions 2015. Collection method: clinical testing. Allele origin: germline. Observed: 1 variant allele, 1 heterozygote.

Clinical Genetics DNA and cytogenetics Diagnostics Lab, Erasmus MC, Erasmus Medical Center
Classification: Likely benign. Review status: no assertion criteria provided. Collection method: clinical testing. Allele origin: germline. Affected: yes. Study: VKGL Data-share Consensus. Not counted in ClinVar's aggregate classification.

Genome Diagnostics Laboratory, Amsterdam University Medical Center
Classification: Likely benign. Review status: no assertion criteria provided. Collection method: clinical testing. Allele origin: germline. Affected: yes. Study: VKGL Data-share Consensus. Not counted in ClinVar's aggregate classification.

NM_000096.4(CP):c.2571C>T (p.Tyr857=)

Gene: CP (ceruloplasmin; minus strand). Cytogenetic location: 3q24.
Variant type: single nucleotide variant.
Coding change: c.2571C>T on transcript NM_000096.4 (MANE Select); coding-DNA position 2571, C replaced by T.
Protein change: p.Tyr857=; no amino-acid change (tyrosine 857 retained).
Molecular consequence: synonymous variant. On other transcripts: non-coding transcript variant (1).
Genome position (GRCh38, 1-based): chr3:149,179,646, G>A on the plus strand (C>T on the coding strand, the complement: CP is on the minus strand). VCF-style: chr3-149179646-G-A. GRCh37 (hg19) VCF-style: chr3-148897433-G-A.
Other names: p.Tyr857=.
Identifiers: ClinVar variation 210756 (VCV000210756.61), dbSNP rs151304828, ClinGen allele CA207525.